The following is an entry in ClinVar:

NM_012431.3(SEMA3E):c.355G>C (p.Val119Leu)

Gene: SEMA3E (semaphorin 3E; minus strand). Cytogenetic location: 7q21.11.
Variant type: single nucleotide variant.
Coding change: c.355G>C on transcript NM_012431.3 (MANE Select); coding-DNA position 355, G replaced by C.
Protein change: p.Val119Leu; replaces valine 119 with leucine.
Molecular consequence: missense variant.
Genome position (GRCh38, 1-based): chr7:83,466,583, C>G on the plus strand (G>C on the coding strand, the complement: SEMA3E is on the minus strand). VCF-style: chr7-83466583-C-G. GRCh37 (hg19) VCF-style: chr7-83095899-C-G.
Other names: c.175G>C, p.Val59Leu (NM_001178129.2); short protein forms V119L, V59L.
Identifiers: ClinVar variation 1063448 (VCV001063448.14), dbSNP rs145267516, ClinGen allele CA4322359.

ClinVar aggregate classification (germline): Uncertain significance. Review status: criteria provided, multiple submitters, no conflicts (2 of 4 stars). 5 submissions from 5 submitters: Uncertain significance (4). 1 of the submissions does not count toward it. Last evaluated 2025-12-17.

Conditions:
Hypogonadotropic hypogonadism 7 with or without anosmia (HH7). Also called: GNRHR-Related GnRH Deficiency; HYPOGONADOTROPIC HYPOGONADISM 7 WITHOUT ANOSMIA. Identifiers: Orphanet 432, MedGen C0342384, MONDO:0007794, OMIM 146110.
CHARGE syndrome (CHARGE). Also called: Hittner Hirsch Kreh syndrome; CHARGE ASSOCIATION--COLOBOMA, HEART ANOMALY, CHOANAL ATRESIA, RETARDATION, GENITAL AND EAR ANOMALIES; Coloboma, heart anomaly, choanal atresia, retardation, genital and ear anomalies; CHARGE association; Hall-Hittner syndrome. Identifiers: Orphanet 138, MedGen C0265354, MONDO:0008965.
SEMA3E-related disorder. Also called: SEMA3E-related condition.

Allele frequency attached by ClinVar (database versions not stated): gnomAD exomes 0.00002 and 0.00003; ExAC 0.00004; gnomAD 0.00004; TOPMed 0.00005; ESP Exome Variant Server 0.00023.
gnomAD v4.1: 32 of 1,613,494 alleles (0.002%); highest among the groups gnomAD compares: African/African-American, 0.004%; no homozygotes.

Submissions (5):

Labcorp Genetics (formerly Invitae), Labcorp
Classification: Uncertain significance for CHARGE syndrome. Last evaluated: 2025-12-17. Review status: criteria provided, single submitter. Criteria: Invitae Variant Classification Sherloc (09022015). Collection method: clinical testing. Allele origin: germline.
Comment: This sequence change replaces valine, which is neutral and non-polar, with leucine, which is neutral and non-polar, at codon 119 of the SEMA3E protein (p.Val119Leu). This variant is present in population databases (rs145267516, gnomAD 0.007%). This variant has not been reported in the literature in individuals affected with SEMA3E-related conditions. ClinVar contains an entry for this variant (Variation ID: 1063448). Invitae Evidence Modeling of protein sequence and biophysical properties (such as structural, functional, and spatial information, amino acid conservation, physicochemical variation, residue mobility, and thermodynamic stability) indicates that this missense variant is not expected to disrupt SEMA3E protein function with a negative predictive value of 80%. In summary, the available evidence is currently insufficient to determine the role of this variant in disease. Therefore, it has been classified as a Variant of Uncertain Significance.

Ambry Genetics
Classification: Uncertain significance. Last evaluated: 2023-04-25. Review status: criteria provided, single submitter. Criteria: Ambry Variant Classification Scheme 2023. Collection method: clinical testing. Allele origin: germline.

Fulgent Genetics
Classification: Uncertain significance for Hypogonadotropic hypogonadism 7 with or without anosmia; CHD7-related CHARGE syndrome. Last evaluated: 2022-03-23. Review status: criteria provided, single submitter. Criteria: ACMG Guidelines, 2015. Collection method: clinical testing. Allele origin: unknown.

GeneDx
Classification: Uncertain significance. Last evaluated: 2021-02-23. Review status: criteria provided, single submitter. Criteria: GeneDx Variant Classification Process June 2021. Collection method: clinical testing. Allele origin: germline. Affected: yes.
Comment: In silico analysis supports that this missense variant does not alter protein structure/function; Has not been previously published as pathogenic or benign to our knowledge

PreventionGenetics, part of Exact Sciences
Classification: Uncertain significance for SEMA3E-related condition. Last evaluated: 2024-05-20. Review status: no assertion criteria provided. Collection method: clinical testing. Allele origin: germline. Not counted in ClinVar's aggregate classification.
Comment: The SEMA3E c.355G>C variant is predicted to result in the amino acid substitution p.Val119Leu. To our knowledge, this variant has not been reported in the literature. This variant is reported in 0.0062% of alleles in individuals of European (Non-Finnish) descent in gnomAD. At this time, the clinical significance of this variant is uncertain due to the absence of conclusive functional and genetic evidence.